The following is an entry in ClinVar:

NM_001367561.1(DOCK7):c.6056A>G (p.Lys2019Arg)

Gene: DOCK7 (dedicator of cytokinesis 7; minus strand). Cytogenetic location: 1p31.3.
Variant type: single nucleotide variant.
Coding change: c.6056A>G on transcript NM_001367561.1 (MANE Select); coding-DNA position 6056, A replaced by G.
Protein change: p.Lys2019Arg; replaces lysine 2019 with arginine.
Molecular consequence: missense variant.
Genome position (GRCh38, 1-based): chr1:62,475,257, T>C on the plus strand (A>G on the coding strand, the complement: DOCK7 is on the minus strand). VCF-style: chr1-62475257-T-C. GRCh37 (hg19) VCF-style: chr1-62940928-T-C.
Other names: c.6023A>G, p.Lys2008Arg (NM_001271999.2); c.5936A>G, p.Lys1979Arg (NM_001272000.2); c.5930A>G, p.Lys1977Arg (NM_001272001.2); c.6029A>G, p.Lys2010Arg (NM_001330614.2); c.5963A>G, p.Lys1988Arg (NM_033407.4); short protein forms K1977R, K2019R, K2008R, K2010R, K1979R, K1988R.
Identifiers: ClinVar variation 642560 (VCV000642560.9), dbSNP rs1571219979, ClinGen allele CA340602162.

ClinVar aggregate classification (germline): Uncertain significance (1 of 4 stars; one submission).

Conditions:
Developmental and epileptic encephalopathy, 23 (DEE23). Also called: Epileptic encephalopathy, early infantile, 23. Identifiers: Orphanet 411986, MedGen C4014492, MONDO:0014371, OMIM 615859.

Allele frequency attached by ClinVar (database versions not stated): gnomAD exomes below 0.00001.
gnomAD v4.1: 1 of 1,613,962 alleles (0.000062%); highest among the groups gnomAD compares: Non-Finnish European, 0.000085%; no homozygotes.

Submission:

Labcorp Genetics (formerly Invitae), Labcorp
Classification: Uncertain significance for Developmental and epileptic encephalopathy, 23. Last evaluated: 2018-08-02. Review status: criteria provided, single submitter. Criteria: Invitae Variant Classification Sherloc (09022015). Collection method: clinical testing. Allele origin: germline.
Comment: This variant is not present in population databases (ExAC no frequency). In summary, the available evidence is currently insufficient to determine the role of this variant in disease. Therefore, it has been classified as a Variant of Uncertain Significance. Algorithms developed to predict the effect of missense changes on protein structure and function (SIFT, PolyPhen-2, Align-GVGD) all suggest that this variant is likely to be disruptive, but these predictions have not been confirmed by published functional studies and their clinical significance is uncertain. This variant has not been reported in the literature in individuals with DOCK7-related disease. This sequence change replaces lysine with arginine at codon 2008 of the DOCK7 protein (p.Lys2008Arg). The lysine residue is highly conserved and there is a small physicochemical difference between lysine and arginine.